The following is an entry in ClinVar:

ClinVar aggregate classification (germline): Conflicting classifications of pathogenicity. Review status: criteria provided, conflicting classifications (1 of 4 stars). 7 submissions from 7 submitters: Uncertain significance (1); Likely benign (5). 1 of the submissions does not count toward it. Last evaluated 2025-11-04.

Conditions:
Inborn genetic diseases. Identifiers: MedGen C0950123, MeSH D030342.
GLI2-related disorder. Also called: GLI2-related condition; GLI2-related disorders.
Holoprosencephaly 9 (HPE9). Also called: HOLOPROSENCEPHALY WITH MICROPHTHALMIA AND FIRST BRANCHIAL ARCH ANOMALIES; PITUITARY ANOMALIES WITH HOLOPROSENCEPHALY-LIKE FEATURES. Identifiers: Orphanet 2162, MedGen C1835819, MONDO:0012563, OMIM 610829.
Postaxial polydactyly-anterior pituitary anomalies-facial dysmorphism syndrome. Also called: Culler-Jones syndrome. Identifiers: Orphanet 420584, MedGen C4014479, MONDO:0014369, OMIM 615849.

Allele frequency attached by ClinVar (database versions not stated): gnomAD exomes 0.00011; ExAC 0.00018; gnomAD 0.00088; TOPMed 0.00129; 1000 Genomes Project 0.00160; 1000 Genomes Project 30x 0.00172.
gnomAD v4.1: 328 of 1,509,840 alleles (0.022%); highest among the groups gnomAD compares: African/African-American, 0.41%; 4 homozygotes.

Submissions (7):

Labcorp Genetics (formerly Invitae), Labcorp
Classification: Likely benign for Postaxial polydactyly-anterior pituitary anomalies-facial dysmorphism syndrome; Holoprosencephaly 9. Last evaluated: 2025-11-04. Review status: criteria provided, single submitter. Criteria: Invitae Variant Classification Sherloc (09022015). Collection method: clinical testing. Allele origin: germline.

Ambry Genetics
Classification: Likely benign for Inborn genetic diseases. Last evaluated: 2024-12-20. Review status: criteria provided, single submitter. Criteria: Ambry Variant Classification Scheme 2023. Collection method: clinical testing. Allele origin: germline.

Blueprint Genetics
Classification: Likely benign. Last evaluated: 2024-05-29. Review status: criteria provided, single submitter. Criteria: ACMG Guidelines, 2015. Collection method: clinical testing. Allele origin: germline.

GeneDx
Classification: Likely benign. Last evaluated: 2019-05-02. Review status: criteria provided, single submitter. Criteria: GeneDx Variant Classification Process June 2021. Collection method: clinical testing. Allele origin: germline. Affected: yes.

Genetic Services Laboratory, University of Chicago
Classification: Likely benign. Last evaluated: 2018-01-08. Review status: criteria provided, single submitter. Criteria: ACMG Guidelines, 2015. Collection method: clinical testing. Allele origin: germline. Affected: no.

Eurofins Ntd Llc (ga)
Classification: Uncertain significance. Last evaluated: 2016-03-28. Review status: criteria provided, single submitter. Criteria: EGL Classification Definitions 2015. Collection method: clinical testing. Allele origin: germline. Observed: 2 variant alleles, 2 heterozygotes.

PreventionGenetics, part of Exact Sciences
Classification: Likely benign for GLI2-related condition. Last evaluated: 2019-09-13. Review status: no assertion criteria provided. Collection method: clinical testing. Allele origin: germline. Not counted in ClinVar's aggregate classification.
Comment: This variant is classified as likely benign based on ACMG/AMP sequence variant interpretation guidelines (Richards et al. 2015 PMID: 25741868, with internal and published modifications).

NM_001374353.1(GLI2):c.2939C>G (p.Pro980Arg)

Gene: GLI2 (GLI family zinc finger 2; plus strand). Cytogenetic location: 2q14.2.
Variant type: single nucleotide variant.
Coding change: c.2939C>G on transcript NM_001374353.1 (MANE Select); coding-DNA position 2939, C replaced by G.
Protein change: p.Pro980Arg; replaces proline 980 with arginine.
Molecular consequence: missense variant.
Genome position (GRCh38, 1-based): chr2:120,988,904, C>G. VCF-style: chr2-120988904-C-G. GRCh37 (hg19) VCF-style: chr2-121746480-C-G.
Other names: c.2990C>G, p.Pro997Arg (NM_001371271.1, NM_005270.5); c.2564C>G, p.Pro855Arg (NM_001374354.1); short protein forms P997R, P855R, P980R.
Identifiers: ClinVar variation 287231 (VCV000287231.25), dbSNP rs563818052, ClinGen allele CA1852287.
Genomic context (GRCh38, chr2:120,988,904, plus strand): 5'-ATGCCCTGTCCCTGCCGCGGGTGCAGCGCTTCCACAGCACCCACAACGTGAACCCCGGCC[C>G]GCTGCCGCCCTGTGCCGACAGGCGAGGCCTCCGCCTGCAGAGCCACCCGAGCACCGACGG-3'
Protein context (NP_001361282.1, residues 970-990): FHSTHNVNPG[Pro980Arg]LPPCADRRGL